The following is an entry in ClinVar:

NM_000642.3(AGL):c.3213T>A (p.Asn1071Lys)

Gene: AGL (amylo-alpha-1,6-glucosidase and 4-alpha-glucanotransferase; plus strand). Cytogenetic location: 1p21.2.
Variant type: single nucleotide variant.
Coding change: c.3213T>A on transcript NM_000642.3 (MANE Select); coding-DNA position 3213, T replaced by A.
Protein change: p.Asn1071Lys; replaces asparagine 1071 with lysine.
Molecular consequence: missense variant.
Genome position (GRCh38, 1-based): chr1:99,892,561, T>A. VCF-style: chr1-99892561-T-A. GRCh37 (hg19) VCF-style: chr1-100358117-T-A.
Other names: c.3213T>A, p.Asn1071Lys (NM_000028.3, NM_000643.3, NM_000644.3 and 1 more transcripts); c.3165T>A, p.Asn1055Lys (NM_000646.3); c.3009T>A, p.Asn1003Lys (NM_001425328.1); c.2874T>A, p.Asn958Lys (NM_001425329.1); c.3192T>A, p.Asn1064Lys (NM_001425326.1); c.3012T>A, p.Asn1004Lys (NM_001425327.1); c.2835T>A, p.Asn945Lys (NM_001425332.1); short protein forms N1055K, N1071K, N1003K, N1004K, N1064K, N945K, N958K.
Identifiers: ClinVar variation 1490550 (VCV001490550.6), dbSNP rs765357864, ClinGen allele CA341327090.
Genomic context (GRCh38, chr1:99,892,561, plus strand): 5'-AAAATTCCCTTCCCTGCCAATTCTTTCACCTGCCCTAATGGATGTACCTTATAGGTTAAA[T>A]GAGATCACAAAAGAAAAGGAGCAATGTTGTGTTTCTCTAGCTGCAGGTAAGGAATTATGT-3'
Protein context (NP_000633.2, residues 1061-1081): PALMDVPYRL[Asn1071Lys]EITKEKEQCC

ClinVar aggregate classification (germline): Uncertain significance (1 of 4 stars; one submission).

Conditions:
Glycogen storage disease type III (GSD3). Also called: FORBES DISEASE; Cori disease. Identifiers: Orphanet 366, MedGen C0017922, MONDO:0009291, OMIM 232400.

Submission:

Labcorp Genetics (formerly Invitae), Labcorp
Classification: Uncertain significance for Glycogen storage disease type III. Last evaluated: 2024-02-17. Review status: criteria provided, single submitter. Criteria: Invitae Variant Classification Sherloc (09022015). Collection method: clinical testing. Allele origin: germline.
Comment: This sequence change replaces asparagine, which is neutral and polar, with lysine, which is basic and polar, at codon 1071 of the AGL protein (p.Asn1071Lys). This variant is not present in population databases (gnomAD no frequency). This variant has not been reported in the literature in individuals affected with AGL-related conditions. ClinVar contains an entry for this variant (Variation ID: 1490550). An algorithm developed to predict the effect of missense changes on protein structure and function (PolyPhen-2) suggests that this variant is likely to be disruptive. In summary, the available evidence is currently insufficient to determine the role of this variant in disease. Therefore, it has been classified as a Variant of Uncertain Significance.